The following is an entry in ClinVar:

ClinVar aggregate classification (germline): Uncertain significance. Review status: criteria provided, multiple submitters, no conflicts (2 of 4 stars). 2 submissions from 2 submitters: Uncertain significance (2). Last evaluated 2024-11-19.

Conditions:
Inborn genetic diseases. Identifiers: MedGen C0950123, MeSH D030342.

Allele frequency attached by ClinVar (database versions not stated): gnomAD 0.00001.
gnomAD v4.1: 22 of 1,536,978 alleles (0.0014%); highest among the groups gnomAD compares: Admixed American, 0.043%; no homozygotes.

Submissions (2):

Labcorp Genetics (formerly Invitae), Labcorp
Classification: Uncertain significance. Last evaluated: 2024-11-19. Review status: criteria provided, single submitter. Criteria: Invitae Variant Classification Sherloc (09022015). Collection method: clinical testing. Allele origin: germline.
Comment: This sequence change replaces glycine, which is neutral and non-polar, with serine, which is neutral and polar, at codon 298 of the SOX17 protein (p.Gly298Ser). This variant is present in population databases (rs764648837, gnomAD 0.07%), and has an allele count higher than expected for a pathogenic variant. This variant has not been reported in the literature in individuals affected with SOX17-related conditions. ClinVar contains an entry for this variant (Variation ID: 2399318). Invitae Evidence Modeling of protein sequence and biophysical properties (such as structural, functional, and spatial information, amino acid conservation, physicochemical variation, residue mobility, and thermodynamic stability) indicates that this missense variant is not expected to disrupt SOX17 protein function with a negative predictive value of 80%. In summary, the available evidence is currently insufficient to determine the role of this variant in disease. Therefore, it has been classified as a Variant of Uncertain Significance.

Ambry Genetics
Classification: Uncertain significance for Inborn genetic diseases. Last evaluated: 2021-07-20. Review status: criteria provided, single submitter. Criteria: Ambry Variant Classification Scheme 2023. Collection method: clinical testing. Allele origin: germline.

NM_022454.4(SOX17):c.892G>A (p.Gly298Ser)

Gene: SOX17 (SRY-box transcription factor 17; plus strand). Cytogenetic location: 8q11.23.
Variant type: single nucleotide variant.
Coding change: c.892G>A on transcript NM_022454.4 (MANE Select); coding-DNA position 892, G replaced by A.
Protein change: p.Gly298Ser; replaces glycine 298 with serine.
Molecular consequence: missense variant.
Genome position (GRCh38, 1-based): chr8:54,459,642, G>A. VCF-style: chr8-54459642-G-A. GRCh37 (hg19) VCF-style: chr8-55372202-G-A.
Other names: short protein forms G298S.
Identifiers: ClinVar variation 2399318 (VCV002399318.4), dbSNP rs764648837, ClinGen allele CA4750984.